The following is an entry in ClinVar:

ClinVar aggregate classification (germline): Uncertain significance (1 of 4 stars; one submission).

gnomAD v4.1: 1 of 1,613,550 alleles (0.000062%); highest among the groups gnomAD compares: Non-Finnish European, 0.000085%; no homozygotes.

Submission:

Labcorp Genetics (formerly Invitae), Labcorp
Classification: Uncertain significance. Last evaluated: 2025-09-03. Review status: criteria provided, single submitter. Criteria: Invitae Variant Classification Sherloc (09022015). Collection method: clinical testing. Allele origin: germline.
Comment: This sequence change replaces alanine, which is neutral and non-polar, with valine, which is neutral and non-polar, at codon 1276 of the FOCAD protein (p.Ala1276Val). This variant is not present in population databases (gnomAD no frequency). This variant has not been reported in the literature in individuals affected with FOCAD-related conditions. Experimental studies and prediction algorithms are not available or were not evaluated, and the functional significance of this variant is currently unknown. In summary, the available evidence is currently insufficient to determine the role of this variant in disease. Therefore, it has been classified as a Variant of Uncertain Significance.

NM_001375567.1(FOCAD):c.3827C>T (p.Ala1276Val)

Gene: FOCAD (focadhesin; plus strand). Cytogenetic location: 9p21.3.
Variant type: single nucleotide variant.
Coding change: c.3827C>T on transcript NM_001375567.1 (MANE Select); coding-DNA position 3827, C replaced by T.
Protein change: p.Ala1276Val; replaces alanine 1276 with valine.
Molecular consequence: missense variant.
Genome position (GRCh38, 1-based): chr9:20,948,879, C>T. VCF-style: chr9-20948879-C-T. GRCh37 (hg19) VCF-style: chr9-20948878-C-T.
Other names: c.3722C>T, p.Ala1241Val (NM_001375568.1, NM_001375570.1); c.3827C>T, p.Ala1276Val (NM_017794.5); short protein forms A1276V, A1241V.
Identifiers: ClinVar variation 4726527 (VCV004726527.1).
Genomic context (GRCh38, chr9:20,948,879, plus strand): 5'-CCTCTTTTCATATTCTGATGCTTTGTTTTCAGGGCACTCCCACAATGCTTTGTCTGGCAG[C>T]TCTTCATGGCATGGTGGCCTTGGTAGGCTCTGAAGGGGATGTAATGCAGGTAAAGAAAGG-3'
Protein context (NP_001362496.1, residues 1266-1286): EGTPTMLCLA[Ala1276Val]LHGMVALVGS